The following is an entry in ClinVar:

ClinVar aggregate classification (germline): Likely benign (1 of 4 stars; one submission).

gnomAD v4.1: 3,501 of 1,603,482 alleles (0.22%); highest among the groups gnomAD compares: Non-Finnish European, 0.27%; 4 homozygotes.

Submission:

CeGaT Center for Human Genetics Tuebingen
Classification: Likely benign. Last evaluated: 2025-08-01. Review status: criteria provided, single submitter. Criteria: CeGaT Center For Human Genetics Tuebingen Variant Classification Criteria Version 2. Collection method: clinical testing. Allele origin: germline. Affected: yes. Observed: 1 variant allele.
Comment: RICTOR: BS2

NM_152756.5(RICTOR):c.2138C>G (p.Ala713Gly)

Gene: RICTOR (RPTOR independent companion of MTOR complex 2; minus strand). Cytogenetic location: 5p13.1.
Variant type: single nucleotide variant.
Coding change: c.2138C>G on transcript NM_152756.5 (MANE Select); coding-DNA position 2138, C replaced by G.
Protein change: p.Ala713Gly; replaces alanine 713 with glycine.
Molecular consequence: missense variant.
Genome position (GRCh38, 1-based): chr5:38,959,235, G>C on the plus strand (C>G on the coding strand, the complement: RICTOR is on the minus strand). VCF-style: chr5-38959235-G-C. GRCh37 (hg19) VCF-style: chr5-38959337-G-C.
Other names: c.2090C>G, p.Ala697Gly (NM_001438249.1, NM_001438049.1, NM_001438246.1 and 1 more transcripts); c.2138C>G, p.Ala713Gly (NM_001285439.2, NM_001438007.1, NM_001438248.1); c.1283C>G, p.Ala428Gly (NM_001285440.2); short protein forms A428G, A697G, A713G.
Identifiers: ClinVar variation 4083842 (VCV004083842.8).